The following is an entry in ClinVar:

ClinVar aggregate classification (germline): Likely benign. Review status: criteria provided, multiple submitters, no conflicts (2 of 4 stars). 3 submissions from 3 submitters: Likely benign (3). Last evaluated 2025-07-23.

Conditions:
CLN8-related disorder. Also called: CLN8-related condition.
Neuronal ceroid lipofuscinosis. Also called: Neuronal Ceroid Lipofuscinoses. Identifiers: Orphanet 216, Orphanet 79263, MedGen C0027877, MONDO:0016295. Disease mechanism: loss of function.

Allele frequency attached by ClinVar (database versions not stated): gnomAD exomes below 0.00001; gnomAD 0.00002; TOPMed 0.00002.
gnomAD v4.1: 43 of 1,613,922 alleles (0.0027%); highest among the groups gnomAD compares: Non-Finnish European, 0.0034%; no homozygotes.

Submissions (3):

PreventionGenetics, part of Exact Sciences
Classification: Likely benign for CLN8-related condition. Last evaluated: 2025-07-23. Review status: criteria provided, single submitter. Criteria: ACMG Guidelines, 2015. Collection method: clinical testing. Allele origin: germline.
Comment: This variant is classified as likely benign based on ACMG/AMP sequence variant interpretation guidelines (Richards et al. 2015 PMID: 25741868, with internal and published modifications).

Blueprint Genetics
Classification: Likely benign. Last evaluated: 2024-10-11. Review status: criteria provided, single submitter. Criteria: ACMG Guidelines, 2015. Collection method: clinical testing. Allele origin: germline.

Labcorp Genetics (formerly Invitae), Labcorp
Classification: Likely benign for Neuronal ceroid lipofuscinosis. Last evaluated: 2024-09-30. Review status: criteria provided, single submitter. Criteria: Invitae Variant Classification Sherloc (09022015). Collection method: clinical testing. Allele origin: germline.

NM_018941.4(CLN8):c.222T>C (p.Gly74=)

Gene: CLN8 (CLN8 transmembrane ER and ERGIC protein; plus strand). Cytogenetic location: 8p23.3.
Variant type: single nucleotide variant.
Coding change: c.222T>C on transcript NM_018941.4 (MANE Select); coding-DNA position 222, T replaced by C.
Protein change: p.Gly74=; no amino-acid change (glycine 74 retained).
Molecular consequence: synonymous variant.
Genome position (GRCh38, 1-based): chr8:1,771,276, T>C. VCF-style: chr8-1771276-T-C. GRCh37 (hg19) VCF-style: chr8-1719442-T-C.
Other names: c.222T>C (NM_018941.3).
Identifiers: ClinVar variation 1114406 (VCV001114406.9), dbSNP rs966203442, ClinGen allele CA170445694.
Genomic context (GRCh38, chr8:1,771,276, plus strand): 5'-TTCTTTGGTGGCCAGAGAGAAGGTCTTCTGGGACCTGGCGGCCACGCGTGCAGTCTTTGG[T>C]GTTCAGAGCACAGCCGCAGGCCTGTGGGCTCTGCTGGGGGACCCTGTGCTGCATGCCGAC-3'
Protein context (NP_061764.2, residues 64-84): WDLAATRAVF[Gly74=]VQSTAAGLWA